The following is an entry in ClinVar:

ClinVar aggregate classification (germline): Uncertain significance (1 of 4 stars; one submission).

Conditions:
Hypercholesterolemia, autosomal dominant, type B (FHCL2). Also called: Familial hypercholesterolemia 2; APOB-Related Familial Hypercholesterolemia, Autosomal Dominant; APOLIPOPROTEIN B-100, FAMILIAL DEFECTIVE; APOLIPOPROTEIN B-100, FAMILIAL LIGAND-DEFECTIVE; HYPERCHOLESTEROLEMIA, FAMILIAL, DUE TO LIGAND-DEFECTIVE APOLIPOPROTEIN B; Familial Hypercholesterolemia Type B. Identifiers: MedGen C1704417, MONDO:0007751, OMIM 144010.

Submission:

Victorian Clinical Genetics Services, Murdoch Childrens Research Institute
Classification: Uncertain significance for Hypercholesterolemia, autosomal dominant, type B. Last evaluated: 2021-05-06. Review status: criteria provided, single submitter. Criteria: ACMG Guidelines, 2015. Collection method: clinical testing. Allele origin: germline. Inheritance: Autosomal dominant inheritance. Affected: yes.
Comment: Based on the classification scheme VCGS_Germline_v1.3.4, this variant is classified as VUS-3C. Following criteria are met: 0102 - Loss of function is a known mechanism of disease in this gene and is associated with familial hypercholesterolemia (MIM#144010) and hypobetalipoproteinemia (MIM#615558). (I) 0108 - This gene is associated with both recessive and dominant disease. Misssense variants are typically associated with autosomal dominant familial hypercholesterolemia (MIM#144010) while null variants are associated with autosomal dominant hypobetalipoproteinemia (MIM#615558) (PMID: 29386597). (I) 0112 - The condition associated with this gene has incomplete penetrance. This has been reported for autosomal dominant familial hypercholesterolemia (MIM#144010) (GeneReveiws)(I) 0200 - Variant is predicted to result in a missense amino acid change from isoleucine to leucine. (I) 0251 - This variant is heterozygous. (I) 0301 - Variant is absent from gnomAD (both v2 and v3). (SP) 0309 - Multiple alternative amino acid changes at the same position have been observed in gnomAD (v2: 1 heterozygote, 0 homozygotes). (I) 0503 - Missense variant consistently predicted to be tolerated by multiple in silico tools or not conserved in placental mammals with a minor amino acid change. (SB) 0600 - Variant is located in the annotated apolipoprotein B100 C terminal (DECIPHER, NCBI). (I) 0705 - No comparable missense variants have previous evidence for pathogenicity. (I) 0807 - This variant has no previous evidence of pathogenicity. (I) 0905 - No published segregation evidence has been identified for this variant. (I) 1007 - No published functional evidence has been identified for this variant. (I) 1208 - Inheritance information for this variant is not currently available in this individual. (I) Legend: (SP) - Supporting pathogenic, (I) - Information, (SB) - Supporting benign

Literature cited by the submitters: PubMed 29386597.

NM_000384.3(APOB):c.13573A>C (p.Ile4525Leu)

Gene: APOB (apolipoprotein B; minus strand). Cytogenetic location: 2p24.1.
Variant type: single nucleotide variant.
Coding change: c.13573A>C on transcript NM_000384.3 (MANE Select); coding-DNA position 13573, A replaced by C.
Protein change: p.Ile4525Leu; replaces isoleucine 4525 with leucine.
Molecular consequence: missense variant.
Genome position (GRCh38, 1-based): chr2:21,001,849, T>G on the plus strand (A>C on the coding strand, the complement: APOB is on the minus strand). VCF-style: chr2-21001849-T-G. GRCh37 (hg19) VCF-style: chr2-21224721-T-G.
Other names: short protein forms I4525L.
Identifiers: ClinVar variation 3376965 (VCV003376965.1).